The following is an entry in ClinVar:

NM_001277313.2(FMN1):c.2314G>A (p.Glu772Lys)

Gene: FMN1 (formin 1; minus strand). Cytogenetic location: 15q13.3.
Variant type: single nucleotide variant.
Coding change: c.2314G>A on transcript NM_001277313.2 (MANE Select); coding-DNA position 2314, G replaced by A.
Protein change: p.Glu772Lys; replaces glutamic acid 772 with lysine.
Molecular consequence: missense variant.
Genome position (GRCh38, 1-based): chr15:32,969,387, C>T on the plus strand (G>A on the coding strand, the complement: FMN1 is on the minus strand). VCF-style: chr15-32969387-C-T. GRCh37 (hg19) VCF-style: chr15-33261588-C-T.
Other names: c.1645G>A (NM_001103184.3, NM_001103184.2); c.1645G>A, p.Glu549Lys (NM_001103184.4); short protein forms E549K, E772K.
Identifiers: ClinVar variation 502419 (VCV000502419.12), dbSNP rs144234543, ClinGen allele CA7456980.

ClinVar aggregate classification (germline): Conflicting classifications of pathogenicity. Review status: criteria provided, conflicting classifications (1 of 4 stars). 5 submissions from 5 submitters: Uncertain significance (1); Likely benign (3). 1 of the submissions does not count toward it. Last evaluated 2025-10-22.

Conditions:
FMN1-related disorder. Also called: FMN1-related condition.

Allele frequency attached by ClinVar (database versions not stated): gnomAD 0.00079 and 0.00082; TOPMed 0.00087; 1000 Genomes Project 30x 0.00109; 1000 Genomes Project 0.00120; ESP Exome Variant Server 0.00123.
gnomAD v4.1: 319 of 1,613,886 alleles (0.02%); highest among the groups gnomAD compares: African/African-American, 0.32%; 2 homozygotes.

Submissions (5):

Ambry Genetics
Classification: Uncertain significance. Last evaluated: 2025-10-22. Review status: criteria provided, single submitter. Criteria: Ambry Variant Classification Scheme 2023. Collection method: clinical testing. Allele origin: germline.

Labcorp Genetics (formerly Invitae), Labcorp
Classification: Likely benign. Last evaluated: 2025-08-25. Review status: criteria provided, single submitter. Criteria: Invitae Variant Classification Sherloc (09022015). Collection method: clinical testing. Allele origin: germline.

Eurofins Ntd Llc (ga)
Classification: Likely benign. Last evaluated: 2017-06-26. Review status: criteria provided, single submitter. Criteria: EGL Classification Definitions 2015. Collection method: clinical testing. Allele origin: germline. Observed: 1 variant allele, 1 heterozygote.

Breakthrough Genomics
Classification: Likely benign. Review status: criteria provided, single submitter. Criteria: ACMG Guidelines, 2015. Collection method: not provided. Allele origin: germline. Inheritance: Unknown mechanism. Affected: yes.

PreventionGenetics, part of Exact Sciences
Classification: Likely benign for FMN1-related condition. Last evaluated: 2023-08-16. Review status: no assertion criteria provided. Collection method: clinical testing. Allele origin: germline. Not counted in ClinVar's aggregate classification.
Comment: This variant is classified as likely benign based on ACMG/AMP sequence variant interpretation guidelines (Richards et al. 2015 PMID: 25741868, with internal and published modifications).